The following is an entry in ClinVar:

ClinVar aggregate classification (germline): Uncertain significance (1 of 4 stars; one submission).

Conditions:
Severe early-onset pulmonary alveolar proteinosis due to MARS deficiency. Also called: PULMONARY ALVEOLAR PROTEINOSIS, REUNION ISLAND; Interstitial lung and liver disease. Identifiers: Orphanet 440427, MedGen C4225400, MONDO:0014206, OMIM 615486.
Charcot-Marie-Tooth disease axonal type 2U. Also called: CHARCOT-MARIE-TOOTH NEUROPATHY, TYPE 2U; CHARCOT-MARIE-TOOTH DISEASE, AXONAL, AUTOSOMAL DOMINANT, TYPE 2U. Identifiers: Orphanet 397735, MedGen C4084821, MONDO:0014566, OMIM 616280.

Allele frequency attached by ClinVar (database versions not stated): ExAC 0.00001; gnomAD exomes 0.00001; gnomAD 0.00002 and 0.00003; TOPMed 0.00004.
gnomAD v4.1: 15 of 1,614,034 alleles (0.00093%); highest among the groups gnomAD compares: African/African-American, 0.0053%; no homozygotes.

Submission:

Labcorp Genetics (formerly Invitae), Labcorp
Classification: Uncertain significance for Charcot-Marie-Tooth disease axonal type 2U; Severe early-onset pulmonary alveolar proteinosis due to MARS deficiency. Last evaluated: 2024-09-09. Review status: criteria provided, single submitter. Criteria: Invitae Variant Classification Sherloc (09022015). Collection method: clinical testing. Allele origin: germline.
Comment: This sequence change creates a premature translational stop signal (p.Trp485*) in the MARS gene. It is expected to result in an absent or disrupted protein product. However, the current clinical and genetic evidence is not sufficient to establish whether loss-of-function variants in MARS cause disease. This variant is present in population databases (rs746422516, gnomAD 0.01%). This variant has not been reported in the literature in individuals affected with MARS-related conditions. ClinVar contains an entry for this variant (Variation ID: 1681738). In summary, the available evidence is currently insufficient to determine the role of this variant in disease. Therefore, it has been classified as a Variant of Uncertain Significance.

NM_004990.4(MARS1):c.1454G>A (p.Trp485Ter)

Gene: MARS1 (methionyl-tRNA synthetase 1; plus strand). Cytogenetic location: 12q13.3.
Variant type: single nucleotide variant.
Coding change: c.1454G>A on transcript NM_004990.4 (MANE Select); coding-DNA position 1454, G replaced by A.
Protein change: p.Trp485Ter; replaces tryptophan 485 with a stop codon.
Molecular consequence: nonsense.
Genome position (GRCh38, 1-based): chr12:57,511,783, G>A. VCF-style: chr12-57511783-G-A. GRCh37 (hg19) VCF-style: chr12-57905566-G-A.
Other names: short protein forms W485*.
Identifiers: ClinVar variation 1681738 (VCV001681738.6), dbSNP rs746422516, ClinGen allele CA6650522.